The following is an entry in ClinVar:

GRCh37/hg19 18q21.1(chr18:44543250-44569729)x3

Genes: ELOA2 (elongin A2; minus strand), KATNAL2 (katanin catalytic subunit A1 like 2; plus strand). Cytogenetic location: 18q21.1.
Variant type: copy number gain.
Change: copy number 3 (three copies instead of two) of chr18:44,543,250-44,569,729 (26.5 kb, GRCh37 coordinates, 1-based), cytogenetic band 18q21.1.
Identifiers: ClinVar variation 394730 (VCV000394730.3).

ClinVar aggregate classification (germline): Benign/Likely benign (0 of 4 stars; one submission).

Submission:

ISCA Site 6
Classification: Benign/Likely benign. Review status: no assertion criteria provided. Collection method: clinical testing. Allele origin: unknown. Affected: yes. Observed: 3 variant alleles. Clinical features observed: Developmental delay AND/OR other significant developmental or morphological phenotypes.
Comment: Likely benign (1), Benign (2)

Copy number variation identified through the course of routine clinical cytogenomic testing in postnatal populations, with clinical assertions as classified by the original submitter. For data from the original published study, Kaminsky, et al. 2011 (PubMed 21844811), please see nstd101.